The following is an entry in ClinVar:

ClinVar aggregate classification (germline): Uncertain significance. Review status: criteria provided, multiple submitters, no conflicts (2 of 4 stars). 2 submissions from 2 submitters: Uncertain significance (2). Last evaluated 2022-07-06.

Conditions:
Charcot-Marie-Tooth disease type 4. Also called: Charcot-Marie-Tooth disease, type IV; Charcot-Marie-Tooth, Type 4. Identifiers: Orphanet 64749, MedGen C4082197, MONDO:0018995.

Allele frequency attached by ClinVar (database versions not stated): gnomAD exomes below 0.00001 and 0.00001; ExAC 0.00002; gnomAD 0.00003; TOPMed 0.00003; ESP Exome Variant Server 0.00015.
gnomAD v4.1: 14 of 1,613,584 alleles (0.00087%); highest among the groups gnomAD compares: Admixed American, 0.0017%; no homozygotes.

Submissions (2):

Labcorp Genetics (formerly Invitae), Labcorp
Classification: Uncertain significance for Charcot-Marie-Tooth disease type 4. Last evaluated: 2022-07-06. Review status: criteria provided, single submitter. Criteria: Invitae Variant Classification Sherloc (09022015). Collection method: clinical testing. Allele origin: germline.
Comment: This sequence change falls in intron 22 of the SBF2 gene. It does not directly change the encoded amino acid sequence of the SBF2 protein. It affects a nucleotide within the consensus splice site. The frequency data for this variant in the population databases is considered unreliable, as metrics indicate poor data quality at this position in the gnomAD database. This variant has not been reported in the literature in individuals affected with SBF2-related conditions. ClinVar contains an entry for this variant (Variation ID: 853092). Variants that disrupt the consensus splice site are a relatively common cause of aberrant splicing (PMID: 17576681, 9536098). Algorithms developed to predict the effect of sequence changes on RNA splicing suggest that this variant is not likely to affect RNA splicing. In summary, the available evidence is currently insufficient to determine the role of this variant in disease. Therefore, it has been classified as a Variant of Uncertain Significance.

Athena Diagnostics
Classification: Uncertain significance. Last evaluated: 2021-12-20. Review status: criteria provided, single submitter. Criteria: Athena Diagnostics Criteria. Collection method: clinical testing. Allele origin: unknown.

Literature cited by the submitters: PubMed 17576681 (cited by Labcorp Genetics (formerly Invitae), Labcorp); PubMed 9536098 (cited by Labcorp Genetics (formerly Invitae), Labcorp).

NM_030962.4(SBF2):c.2807-3C>T

Genes: SBF2 (SET binding factor 2; minus strand), LOC101928008 (uncharacterized LOC101928008; plus strand). Cytogenetic location: 11p15.4.
Variant type: single nucleotide variant.
Coding change: c.2807-3C>T on transcript NM_030962.4 (MANE Select); 3 bases into the intron before coding-DNA position 2807, C replaced by T.
Molecular consequence: intron variant.
Genome position (GRCh38, 1-based): chr11:9,847,086, G>A on the plus strand (C>T on the coding strand, the complement: SBF2 is on the minus strand). VCF-style: chr11-9847086-G-A. GRCh37 (hg19) VCF-style: chr11-9868633-G-A.
Other names: c.2678-3C>T (NM_001386342.1); c.2807-3C>T (NM_001386339.1).
Identifiers: ClinVar variation 853092 (VCV000853092.8), dbSNP rs375252298, ClinGen allele CA5881438.